The following is an entry in ClinVar:

ClinVar aggregate classification (germline): Benign. Review status: criteria provided, single submitter (1 of 4 stars). 2 submissions from 2 submitters: Benign (1). 1 of the submissions does not count toward it. Last evaluated 2026-06-01.

Conditions:
ZFHX3-related disorder. Also called: ZFHX3-related condition.

Allele frequency attached by ClinVar (database versions not stated): gnomAD exomes 0.00103; ExAC 0.00215; ESP Exome Variant Server 0.00500; gnomAD 0.00523; 1000 Genomes Project 30x 0.00547; 1000 Genomes Project 0.00579; TOPMed 0.00596.
gnomAD v4.1: 2,359 of 1,614,178 alleles (0.15%); highest among the groups gnomAD compares: African/African-American, 1.4%; 20 homozygotes.

Submissions (2):

CeGaT Center for Human Genetics Tuebingen
Classification: Benign. Last evaluated: 2026-06-01. Review status: criteria provided, single submitter. Criteria: CeGaT Center For Human Genetics Tuebingen Variant Classification Criteria Version 2. Collection method: clinical testing. Allele origin: germline. Affected: yes. Observed: 3 variant alleles.
Comment: ZFHX3: BP4, BS1, BS2

PreventionGenetics, part of Exact Sciences
Classification: Benign for ZFHX3-related condition. Last evaluated: 2019-05-20. Review status: no assertion criteria provided. Collection method: clinical testing. Allele origin: germline. Not counted in ClinVar's aggregate classification.
Comment: This variant is classified as benign based on ACMG/AMP sequence variant interpretation guidelines (Richards et al. 2015 PMID: 25741868, with internal and published modifications).

NM_006885.4(ZFHX3):c.5026A>G (p.Ser1676Gly)

Genes: ZFHX3 (zinc finger homeobox 3; minus strand), ZFHX3-AS1 (ZFHX3 antisense RNA 1; plus strand). Cytogenetic location: 16q22.2.
Variant type: single nucleotide variant.
Coding change: c.5026A>G on transcript NM_006885.4 (MANE Select); coding-DNA position 5026, A replaced by G.
Protein change: p.Ser1676Gly; replaces serine 1676 with glycine.
Molecular consequence: missense variant.
Genome position (GRCh38, 1-based): chr16:72,797,656, T>C on the plus strand (A>G on the coding strand, the complement: ZFHX3 is on the minus strand). VCF-style: chr16-72797656-T-C. GRCh37 (hg19) VCF-style: chr16-72831555-T-C.
Other names: c.2284A>G, p.Ser762Gly (NM_001164766.2); c.5026A>G, p.Ser1676Gly (NM_001386735.1); short protein forms S1676G, S762G.
Identifiers: ClinVar variation 3055382 (VCV003055382.9), dbSNP rs147120168, ClinGen allele CA8163701.